The following is an entry in ClinVar:

NM_001292063.2(OTOG):c.2783G>A (p.Cys928Tyr)

Gene: OTOG (otogelin; plus strand). Cytogenetic location: 11p15.1.
Variant type: single nucleotide variant.
Coding change: c.2783G>A on transcript NM_001292063.2 (MANE Select); coding-DNA position 2783, G replaced by A.
Protein change: p.Cys928Tyr; replaces cysteine 928 with tyrosine.
Molecular consequence: missense variant.
Genome position (GRCh38, 1-based): chr11:17,586,497, G>A. VCF-style: chr11-17586497-G-A. GRCh37 (hg19) VCF-style: chr11-17608044-G-A.
Other names: c.2819G>A, p.Cys940Tyr (NM_001277269.2); short protein forms C940Y, C928Y.
Identifiers: ClinVar variation 449998 (VCV000449998.2), dbSNP rs1309976795, ClinGen allele CA379779004.

ClinVar aggregate classification (germline): Uncertain significance (1 of 4 stars; one submission).

Allele frequency attached by ClinVar (database versions not stated): gnomAD 0.00001 and 0.00003.

Submission:

GeneDx
Classification: Uncertain significance. Last evaluated: 2017-06-22. Review status: criteria provided, single submitter. Criteria: GeneDx Variant Classification (06012015). Collection method: clinical testing. Allele origin: germline. Affected: yes.
Comment: The C940Y variant in the OTOG gene has not been reported previously as a pathogenic variant, nor as a benign variant, to our knowledge. Adequate data is not available in large population cohorts to assess the frequency of this variant in publicly available databases; however, this variant has not been detected in presumably healthy individuals tested at GeneDx. The C940Y variant is a non-conservative amino acid substitution, which is likely to impact secondary protein structure as these residues differ in polarity, charge, size and/or other properties. This substitution occurs at a position that is conserved across species, and in silico analysis predicts this variant is probably damaging to the protein structure/function. We interpret C940Y as a variant of uncertain significance.